The following is an entry in ClinVar:

NM_001270.4(CHD1):c.1733A>C (p.His578Pro)

Gene: CHD1 (chromodomain helicase DNA binding protein 1; minus strand). Cytogenetic location: 5q15.
Variant type: single nucleotide variant.
Coding change: c.1733A>C on transcript NM_001270.4 (MANE Select); coding-DNA position 1733, A replaced by C.
Protein change: p.His578Pro; replaces histidine 578 with proline.
Molecular consequence: missense variant. On other transcripts: non-coding transcript variant (2).
Genome position (GRCh38, 1-based): chr5:98,894,664, T>G on the plus strand (A>C on the coding strand, the complement: CHD1 is on the minus strand). VCF-style: chr5-98894664-T-G. GRCh37 (hg19) VCF-style: chr5-98230368-T-G.
Other names: c.1733A>C, p.His578Pro (NM_001364113.3, NM_001376194.2); short protein forms H578P.
Identifiers: ClinVar variation 3063780 (VCV003063780.1), dbSNP rs1751233102, ClinGen allele CA360517802.

ClinVar aggregate classification (germline): Uncertain significance (1 of 4 stars; one submission).

Submission:

Women's Health and Genetics/Laboratory Corporation of America, LabCorp
Classification: Uncertain significance. Last evaluated: 2024-01-05. Review status: criteria provided, single submitter. Criteria: LabCorp Variant Classification Summary - May 2015. Collection method: clinical testing. Allele origin: germline.
Comment: Variant summary: CHD1 c.1733A>C (p.His578Pro) results in a non-conservative amino acid change located in the SNF2, N-terminal domain (IPR000330) of the encoded protein sequence. Four of five in-silico tools predict a damaging effect of the variant on protein function. The variant was absent in 224568 control chromosomes (gnomAD). The available data on variant occurrences in the general population are insufficient to allow any conclusion about variant significance. To our knowledge, no occurrence of c.1733A>C in individuals affected with Pilarowski-Bjornsson Syndrome and no experimental evidence demonstrating its impact on protein function have been reported. No submitters have cited clinical-significance assessments for this variant to ClinVar. Based on the evidence outlined above, the variant was classified as uncertain significance.